The following is an entry in ClinVar:

NM_001128840.3(CACNA1D):c.3571A>C (p.Lys1191Gln)

Gene: CACNA1D (calcium voltage-gated channel subunit alpha1 D; plus strand). Cytogenetic location: 3p21.1.
Variant type: single nucleotide variant.
Coding change: c.3571A>C on transcript NM_001128840.3 (MANE Select); coding-DNA position 3571, A replaced by C.
Protein change: p.Lys1191Gln; replaces lysine 1191 with glutamine.
Molecular consequence: missense variant.
Genome position (GRCh38, 1-based): chr3:53,751,803, A>C. VCF-style: chr3-53751803-A-C. GRCh37 (hg19) VCF-style: chr3-53785830-A-C.
Other names: c.3631A>C, p.Lys1211Gln (NM_000720.4); c.3571A>C, p.Lys1191Gln (NM_001128839.3); short protein forms K1211Q, K1191Q.
Identifiers: ClinVar variation 1385600 (VCV001385600.8), dbSNP rs375542826, ClinGen allele CA2454619.
Genomic context (GRCh38, chr3:53,751,803, plus strand): 5'-TTGCAGCGTCAGTGTGTTGAATACGCCTTGAAAGCACGTCCCTTGCGGAGATACATCCCC[A>C]AAAACCCCTACCAGTACAAGTTCTGGTACGTGGTGAACTCTTCGCCTTTCGAATACATGA-3'
Protein context (NP_001122312.1, residues 1181-1201): KARPLRRYIP[Lys1191Gln]NPYQYKFWYV

ClinVar aggregate classification (germline): Uncertain significance. Review status: criteria provided, multiple submitters, no conflicts (2 of 4 stars). 3 submissions from 3 submitters: Uncertain significance (3). Last evaluated 2026-02-13.

Conditions:
Aldosterone-producing adenoma with seizures and neurological abnormalities. Also called: Primary aldosteronism, seizures, and neurologic abnormalities. Identifiers: Orphanet 369929, MedGen C3809609, MONDO:0014200, OMIM 615474.

Allele frequency attached by ClinVar (database versions not stated): gnomAD exomes below 0.00001; ExAC 0.00001; gnomAD 0.00001; TOPMed 0.00002; ESP Exome Variant Server 0.00008; 1000 Genomes Project 30x 0.00016; 1000 Genomes Project 0.00020.
gnomAD v4.1: 7 of 1,613,806 alleles (0.00043%); highest among the groups gnomAD compares: Admixed American, 0.0017%; no homozygotes.

Submissions (3):

OLLIN Analises Genomicas, OLLIN
Classification: Uncertain significance for Aldosterone-producing adenoma with seizures and neurological abnormalities. Last evaluated: 2026-02-13. Review status: criteria provided, single submitter. Criteria: ACMG Guidelines 2015 PMID 25741868. Collection method: clinical testing. Allele origin: germline. Observed: 1 variant allele.
Comment: PP2, PP3_M

Labcorp Genetics (formerly Invitae), Labcorp
Classification: Uncertain significance. Last evaluated: 2024-12-15. Review status: criteria provided, single submitter. Criteria: Invitae Variant Classification Sherloc (09022015). Collection method: clinical testing. Allele origin: germline.
Comment: This sequence change replaces lysine, which is basic and polar, with glutamine, which is neutral and polar, at codon 1211 of the CACNA1D protein (p.Lys1211Gln). This variant is present in population databases (rs375542826, gnomAD 0.0009%). This variant has not been reported in the literature in individuals affected with CACNA1D-related conditions. ClinVar contains an entry for this variant (Variation ID: 1385600). Invitae Evidence Modeling of protein sequence and biophysical properties (such as structural, functional, and spatial information, amino acid conservation, physicochemical variation, residue mobility, and thermodynamic stability) indicates that this missense variant is not expected to disrupt CACNA1D protein function with a negative predictive value of 80%. In summary, the available evidence is currently insufficient to determine the role of this variant in disease. Therefore, it has been classified as a Variant of Uncertain Significance.

Women's Health and Genetics/Laboratory Corporation of America, LabCorp
Classification: Uncertain significance. Last evaluated: 2024-12-02. Review status: criteria provided, single submitter. Criteria: LabCorp Variant Classification Summary - May 2015. Collection method: clinical testing. Allele origin: germline.
Comment: Variant summary: CACNA1D c.3631A>C (p.Lys1211Gln) results in a conservative amino acid change in the encoded protein sequence. Three of five in-silico tools predict a damaging effect of the variant on protein function. The variant allele was found at a frequency of 4e-06 in 251484 control chromosomes. The available data on variant occurrences in the general population are insufficient to allow any conclusion about variant significance. To our knowledge, no occurrence of c.3631A>C in individuals affected with Sinoatrial Node Dysfunction And Deafness and no experimental evidence demonstrating its impact on protein function have been reported. ClinVar contains an entry for this variant (Variation ID: 1385600). Based on the evidence outlined above, the variant was classified as uncertain significance.